The following is an entry in ClinVar:

NM_004656.4(BAP1):c.210C>G (p.Ser70=)

Gene: BAP1 (BRCA1 associated deubiquitinase 1; minus strand). Cytogenetic location: 3p21.1.
Variant type: single nucleotide variant.
Coding change: c.210C>G on transcript NM_004656.4 (MANE Select); coding-DNA position 210, C replaced by G.
Protein change: p.Ser70=; no amino-acid change (serine 70 retained).
Molecular consequence: synonymous variant.
Genome position (GRCh38, 1-based): chr3:52,408,519, G>C on the plus strand (C>G on the coding strand, the complement: BAP1 is on the minus strand). VCF-style: chr3-52408519-G-C. GRCh37 (hg19) VCF-style: chr3-52442535-G-C.
Identifiers: ClinVar variation 490843 (VCV000490843.13), dbSNP rs558581070, ClinGen allele CA2437158.
Genomic context (GRCh38, chr3:52,408,519, plus strand): 5'-CAGAGTCCAGCAGACCTGGTGGGCAAAGAACATGTTATTCACAATATCATCATCAATCAC[G>C]GACGTATCATCCACCAAGGTAGAGACCTTTCGCCGGGACCGGCGCTCTTCGATCCATTTG-3'
Protein context (NP_004647.1, residues 60-80): RKVSTLVDDT[Ser70=]VIDDDIVNNM

ClinVar aggregate classification (germline): Benign/Likely benign. Review status: criteria provided, multiple submitters, no conflicts (2 of 4 stars). 4 submissions from 4 submitters: Benign (1); Likely benign (3). Last evaluated 2025-12-17.

Conditions:
Hereditary cancer-predisposing syndrome. Also called: Hereditary Cancer Syndrome; Neoplastic Syndromes, Hereditary; Tumor predisposition; Hereditary neoplastic syndrome. Identifiers: Orphanet 140162, MedGen C0027672, MeSH D009386, MONDO:0015356.
BAP1-related tumor predisposition syndrome (TPDS1). Also called: Tumor susceptibility linked to germline BAP1 mutations; BAP1 tumor predisposition syndrome; COMMON Syndrome; TUMOR PREDISPOSITION SYNDROME 1. Identifiers: Orphanet 289539, MedGen C3280492, MONDO:0013692, OMIM 614327.

Allele frequency attached by ClinVar (database versions not stated): TOPMed 0.00002; 1000 Genomes Project 0.00020; 1000 Genomes Project 30x 0.00031.
gnomAD v4.1: 4 of 1,612,074 alleles (0.00025%); highest among the groups gnomAD compares: East Asian, 0.0089%; no homozygotes.

Submissions (4):

Labcorp Genetics (formerly Invitae), Labcorp
Classification: Likely benign for BAP1-related tumor predisposition syndrome. Last evaluated: 2025-12-17. Review status: criteria provided, single submitter. Criteria: Invitae Variant Classification Sherloc (09022015). Collection method: clinical testing. Allele origin: germline.

Myriad Genetics, Inc.
Classification: Benign for BAP1-related tumor predisposition syndrome. Last evaluated: 2024-07-11. Review status: criteria provided, single submitter. Criteria: Myriad Autosomal Dominant, Autosomal Recessive and X-Linked Classification Criteria (2023). Collection method: clinical testing. Allele origin: unknown.
Comment: This variant is considered benign. This variant is a silent/synonymous amino acid change and it is not expected to impact splicing.

Ambry Genetics
Classification: Likely benign for Hereditary cancer-predisposing syndrome. Last evaluated: 2020-02-06. Review status: criteria provided, single submitter. Criteria: Ambry Variant Classification Scheme 2023. Collection method: clinical testing. Allele origin: germline.

Color Diagnostics, LLC DBA Color Health
Classification: Likely benign for Hereditary cancer-predisposing syndrome. Last evaluated: 2016-11-14. Review status: criteria provided, single submitter. Criteria: ACMG Guidelines, 2015. Collection method: clinical testing. Allele origin: germline.